The following is an entry in ClinVar:

NM_003482.4(KMT2D):c.4844G>A (p.Arg1615Gln)

Gene: KMT2D (lysine methyltransferase 2D; minus strand). Cytogenetic location: 12q13.12.
Variant type: single nucleotide variant.
Coding change: c.4844G>A on transcript NM_003482.4 (MANE Select); coding-DNA position 4844, G replaced by A.
Protein change: p.Arg1615Gln; replaces arginine 1615 with glutamine.
Molecular consequence: missense variant.
Genome position (GRCh38, 1-based): chr12:49,044,863, C>T on the plus strand (G>A on the coding strand, the complement: KMT2D is on the minus strand). VCF-style: chr12-49044863-C-T. GRCh37 (hg19) VCF-style: chr12-49438646-C-T.
Other names: short protein forms R1615Q.
Identifiers: ClinVar variation 2116964 (VCV002116964.5), dbSNP rs1943714035, ClinGen allele CA384640570.

ClinVar aggregate classification (germline): Uncertain significance. Review status: criteria provided, multiple submitters, no conflicts (2 of 4 stars). 2 submissions from 2 submitters: Uncertain significance (2). Last evaluated 2026-06-17.

Conditions:
Kabuki syndrome. Also called: NIIKAWA-KUROKI SYNDROME; Kabuki make-up syndrome. Identifiers: Orphanet 2322, MedGen C0796004, MONDO:0016512.
KMT2D-related disorder. Also called: KMT2D-Related Disorders.

Allele frequency attached by ClinVar (database versions not stated): gnomAD exomes below 0.00001; gnomAD 0.00001.

Submissions (2):

PreventionGenetics, part of Exact Sciences
Classification: Uncertain significance for KMT2D-related condition. Last evaluated: 2026-06-17. Review status: criteria provided, single submitter. Criteria: ACMG Guidelines, 2015. Collection method: clinical testing. Allele origin: germline.
Comment: The KMT2D c.4844G>A variant is predicted to result in the amino acid substitution p.Arg1615Gln. To our knowledge, this variant has not been reported in the literature or in a large population database (gnomAD), indicating this variant is rare. Although we suspect that this variant may be benign, at this time, the clinical significance of this variant is uncertain due to the absence of conclusive functional and genetic evidence.

Labcorp Genetics (formerly Invitae), Labcorp
Classification: Uncertain significance for Kabuki syndrome. Last evaluated: 2022-08-04. Review status: criteria provided, single submitter. Criteria: Invitae Variant Classification Sherloc (09022015). Collection method: clinical testing. Allele origin: germline.
Comment: This sequence change replaces arginine, which is basic and polar, with glutamine, which is neutral and polar, at codon 1615 of the KMT2D protein (p.Arg1615Gln). This variant is not present in population databases (gnomAD no frequency). This variant has not been reported in the literature in individuals affected with KMT2D-related conditions. Advanced modeling of protein sequence and biophysical properties (such as structural, functional, and spatial information, amino acid conservation, physicochemical variation, residue mobility, and thermodynamic stability) performed at Invitae indicates that this missense variant is not expected to disrupt KMT2D protein function. In summary, the available evidence is currently insufficient to determine the role of this variant in disease. Therefore, it has been classified as a Variant of Uncertain Significance.